The following is an entry in ClinVar:

NM_024577.4(SH3TC2):c.3543G>A (p.Met1181Ile)

Gene: SH3TC2 (SH3 domain and tetratricopeptide repeats 2; minus strand). Cytogenetic location: 5q32.
Variant type: single nucleotide variant.
Coding change: c.3543G>A on transcript NM_024577.4 (MANE Select); coding-DNA position 3543, G replaced by A.
Protein change: p.Met1181Ile; replaces methionine 1181 with isoleucine.
Molecular consequence: missense variant.
Genome position (GRCh38, 1-based): chr5:149,007,013, C>T on the plus strand (G>A on the coding strand, the complement: SH3TC2 is on the minus strand). VCF-style: chr5-149007013-C-T. GRCh37 (hg19) VCF-style: chr5-148386576-C-T.
Other names: short protein forms M1181I.
Identifiers: ClinVar variation 2802010 (VCV002802010.3), dbSNP rs2531742798, ClinGen allele CA361664162.

ClinVar aggregate classification (germline): Uncertain significance (1 of 4 stars; one submission).

Conditions:
Charcot-Marie-Tooth disease type 4. Also called: Charcot-Marie-Tooth disease, type IV; Charcot-Marie-Tooth, Type 4. Identifiers: Orphanet 64749, MedGen C4082197, MONDO:0018995.

Submission:

Labcorp Genetics (formerly Invitae), Labcorp
Classification: Uncertain significance for Charcot-Marie-Tooth disease type 4. Last evaluated: 2023-08-10. Review status: criteria provided, single submitter. Criteria: Invitae Variant Classification Sherloc (09022015). Collection method: clinical testing. Allele origin: germline.
Comment: In summary, the available evidence is currently insufficient to determine the role of this variant in disease. Therefore, it has been classified as a Variant of Uncertain Significance. Advanced modeling of protein sequence and biophysical properties (such as structural, functional, and spatial information, amino acid conservation, physicochemical variation, residue mobility, and thermodynamic stability) performed at Invitae indicates that this missense variant is not expected to disrupt SH3TC2 protein function. This variant has not been reported in the literature in individuals affected with SH3TC2-related conditions. This variant is not present in population databases (gnomAD no frequency). This sequence change replaces methionine, which is neutral and non-polar, with isoleucine, which is neutral and non-polar, at codon 1181 of the SH3TC2 protein (p.Met1181Ile).